The following is an entry in ClinVar:

ClinVar aggregate classification (germline): Benign. Review status: criteria provided, single submitter (1 of 4 stars). 2 submissions from 1 submitter: Benign (2). Last evaluated 2018-01-13.

Conditions:
Susceptibility to mononeuropathy of the median nerve, mild. Also called: CARPAL TUNNEL SYNDROME, SUSCEPTIBILITY TO. Identifiers: MedGen C3150596, MONDO:0013237, OMIM 613353.
Charcot-Marie-Tooth disease type 4C (CMT4C). Also called: CHARCOT-MARIE-TOOTH DISEASE, DEMYELINATING, AUTOSOMAL RECESSIVE, TYPE 4C; CMT 4C; Charcot-Marie-Tooth Neuropathy Type 4C (CMT4C); CHARCOT-MARIE-TOOTH DISEASE, DEMYELINATING, TYPE 4C; SH3TC2-Related Hereditary Motor and Sensory Neuropathy. Identifiers: Orphanet 99949, MedGen C1866636, MONDO:0011113, OMIM 601596.

Allele frequency attached by ClinVar (database versions not stated): gnomAD 0.00027 and 0.00050; TOPMed 0.00048; 1000 Genomes Project 30x 0.00312; 1000 Genomes Project 0.00379.
gnomAD v4.1: 76 of 152,164 alleles (0.05%); highest among the groups gnomAD compares: East Asian, 1.5%; 2 homozygotes.

Submissions (2):

Illumina Laboratory Services, Illumina
Classification: Benign for Charcot-Marie-Tooth disease type 4C. Last evaluated: 2018-01-13. Review status: criteria provided, single submitter. Criteria: ICSL Variant Classification Criteria 13 December 2019. Collection method: clinical testing. Allele origin: germline.
Comment: This variant was observed in the ICSL laboratory as part of a predisposition screen in an ostensibly healthy population. It had not been previously curated by ICSL or reported in the Human Gene Mutation Database (HGMD: prior to June 1st, 2018), and was therefore a candidate for classification through an automated scoring system. Utilizing variant allele frequency, disease prevalence and penetrance estimates, and inheritance mode, an automated score was calculated to assess if this variant is too frequent to cause the disease. Based on the score and internal cut-off values, a variant classified as benign is not then subjected to further curation. The score for this variant resulted in a classification of benign for this disease.

Illumina Laboratory Services, Illumina
Classification: Benign for Susceptibility to mononeuropathy of the median nerve, mild. Last evaluated: 2018-01-13. Review status: criteria provided, single submitter. Criteria: ICSL Variant Classification Criteria 13 December 2019. Collection method: clinical testing. Allele origin: germline.
Comment: the same text as in the submission from Illumina Laboratory Services, Illumina above.

NM_024577.4(SH3TC2):c.*6623G>A

Gene: SH3TC2 (SH3 domain and tetratricopeptide repeats 2; minus strand). Cytogenetic location: 5q32.
Variant type: single nucleotide variant.
Coding change: c.*6623G>A on transcript NM_024577.4 (MANE Select); 6623 bases downstream of the stop codon, G replaced by A.
Molecular consequence: 3 prime UTR variant.
Genome position (GRCh38, 1-based): chr5:148,998,088, C>T on the plus strand (G>A on the coding strand, the complement: SH3TC2 is on the minus strand). VCF-style: chr5-148998088-C-T. GRCh37 (hg19) VCF-style: chr5-148377651-C-T.
Identifiers: ClinVar variation 351784 (VCV000351784.5), dbSNP rs78100143, ClinGen allele CA10623284.